The following is an entry in ClinVar:

NM_001164508.2(NEB):c.6634C>T (p.Gln2212Ter)

Gene: NEB (nebulin; minus strand). Cytogenetic location: 2q23.3.
Variant type: single nucleotide variant.
Coding change: c.6634C>T on transcript NM_001164508.2 (MANE Select); coding-DNA position 6634, C replaced by T.
Protein change: p.Gln2212Ter; replaces glutamine 2212 with a stop codon.
Molecular consequence: nonsense.
Genome position (GRCh38, 1-based): chr2:151,655,885, G>A on the plus strand (C>T on the coding strand, the complement: NEB is on the minus strand). VCF-style: chr2-151655885-G-A. GRCh37 (hg19) VCF-style: chr2-152512399-G-A.
Other names: c.6634C>T, p.Gln2212Ter (NM_001164507.2, NM_001271208.2, NM_004543.5); short protein forms Q2212*.
Identifiers: ClinVar variation 2677096 (VCV002677096.3), dbSNP rs2552252628, ClinGen allele CA348797001.

ClinVar aggregate classification (germline): Likely pathogenic. Review status: criteria provided, multiple submitters, no conflicts (2 of 4 stars). 2 submissions from 2 submitters: Likely pathogenic (2). Last evaluated 2025-07-21.

Conditions:
Arthrogryposis multiplex congenita 6. Identifiers: MedGen C5543431, MONDO:0030281, OMIM 619334.

Allele frequency attached by ClinVar (database versions not stated): gnomAD exomes below 0.00001.
gnomAD v4.1: 1 of 1,613,742 alleles (0.000062%); highest among the groups gnomAD compares: Admixed American, 0.0017%; no homozygotes.

Submissions (2):

Dasa
Classification: Likely pathogenic. Last evaluated: 2025-07-21. Review status: criteria provided, single submitter. Criteria: DASA Assertion Criteria. Collection method: clinical testing. Allele origin: germline.
Comment: NM_001164508.2(NEB):c.6634C>T (p.Gln2212*) is a nonsense variant in NEB predicted to introduce a premature termination codon and is predicted to result in an absent or altered protein product. Loss of function is an established disease mechanism for NEB-associated disorders. Also, this variant is rare in population databases. Based on the currently available evidence, this variant is classified as likely pathogenic.

Baylor Genetics
Classification: Likely pathogenic for Arthrogryposis multiplex congenita 6. Last evaluated: 2023-05-15. Review status: criteria provided, single submitter. Criteria: ACMG Guidelines, 2015. Collection method: clinical testing. Allele origin: unknown.